The following is an entry in ClinVar:

ClinVar aggregate classification (germline): Uncertain significance (1 of 4 stars; one submission).

Submission:

Labcorp Genetics (formerly Invitae), Labcorp
Classification: Uncertain significance. Last evaluated: 2025-01-15. Review status: criteria provided, single submitter. Criteria: Invitae Variant Classification Sherloc (09022015). Collection method: clinical testing. Allele origin: germline.
Comment: This sequence change replaces leucine, which is neutral and non-polar, with proline, which is neutral and non-polar, at codon 117 of the NYX protein (p.Leu117Pro). This variant is not present in population databases (gnomAD no frequency). This missense change has been observed in individual(s) with congenital stationary night blindness (PMID: 25307992). ClinVar contains an entry for this variant (Variation ID: 2737207). Invitae Evidence Modeling of protein sequence and biophysical properties (such as structural, functional, and spatial information, amino acid conservation, physicochemical variation, residue mobility, and thermodynamic stability) indicates that this missense variant is expected to disrupt NYX protein function with a positive predictive value of 80%. In summary, the available evidence is currently insufficient to determine the role of this variant in disease. Therefore, it has been classified as a Variant of Uncertain Significance.

Literature cited by the submitters: PubMed 25307992.

NM_001378477.3(NYX):c.335T>C (p.Leu112Pro)

Gene: NYX (nyctalopin; plus strand). Cytogenetic location: Xp11.4.
Variant type: single nucleotide variant.
Coding change: c.335T>C on transcript NM_001378477.3 (MANE Select); coding-DNA position 335, T replaced by C.
Protein change: p.Leu112Pro; replaces leucine 112 with proline.
Molecular consequence: missense variant.
Genome position (GRCh38, 1-based): chrX:41,473,803, T>C. VCF-style: chrX-41473803-T-C. GRCh37 (hg19) VCF-style: chrX-41333056-T-C.
Other names: c.335T>C, p.Leu112Pro (NM_022567.3); short protein forms L112P.
Identifiers: ClinVar variation 2737207 (VCV002737207.3), dbSNP rs1602180352, ClinGen allele CA412989873.
Genomic context (GRCh38, chrX:41,473,803, plus strand): 5'-ACCTGTCCTTCATCACGCCCGGCGCCTTCAAGGGCCTGCCGCGCCTGGCTGAGCTGCGCC[T>C]GGCGCACAACGGCGACCTGCGCTACCTGCACGCGCGCACCTTCGCGGCGCTCAGCCGCCT-3'
Protein context (NP_001365406.2, residues 102-122): KGLPRLAELR[Leu112Pro]AHNGDLRYLH